The following is an entry in ClinVar:

NM_003640.5(ELP1):c.2930T>A (p.Leu977Ter)

Gene: ELP1 (elongator acetyltransferase complex subunit 1; minus strand). Cytogenetic location: 9q31.3.
Variant type: single nucleotide variant.
Coding change: c.2930T>A on transcript NM_003640.5 (MANE Select); coding-DNA position 2930, T replaced by A.
Protein change: p.Leu977Ter; replaces leucine 977 with a stop codon.
Molecular consequence: nonsense.
Genome position (GRCh38, 1-based): chr9:108,893,014, A>T on the plus strand (T>A on the coding strand, the complement: ELP1 is on the minus strand). VCF-style: chr9-108893014-A-T. GRCh37 (hg19) VCF-style: chr9-111655294-A-T.
Other names: c.2588T>A, p.Leu863Ter (NM_001318360.2); c.1883T>A, p.Leu628Ter (NM_001330749.2); short protein forms L628*, L863*, L977*.
Identifiers: ClinVar variation 1723964 (VCV001723964.2), dbSNP rs2537882308, ClinGen allele CA374418290.

ClinVar aggregate classification (germline): Likely pathogenic (1 of 4 stars; one submission).

Conditions:
Familial dysautonomia. Also called: HSAN III; FD. Identifiers: Orphanet 1764, MedGen C0013364, MONDO:0009131, OMIM 223900. Disease mechanism: loss of function.

Submission:

Myriad Genetics, Inc.
Classification: Likely pathogenic for Familial dysautonomia. Last evaluated: 2022-01-17. Review status: criteria provided, single submitter. Criteria: Myriad Women's Health Autosomal Recessive and X-Linked Classification Criteria (2021). Collection method: clinical testing. Allele origin: unknown.
Comment: NM_003640.3(ELP1):c.2930T>A(L977*) is expected to be pathogenic in the context of familial dysautonomia. This variant is predicted to lead to an abnormal or absent protein product due to the creation of a premature termination codon in ELP1, a gene where loss-of-function variants are known to be pathogenic. Please note: this variant was assessed in the context of healthy population screening.